The following is an entry in ClinVar:

ClinVar aggregate classification (germline): Likely pathogenic (1 of 4 stars; one submission).

Conditions:
Developmental and epileptic encephalopathy, 42 (DEE42A). Also called: DEVELOPMENTAL AND EPILEPTIC ENCEPHALOPATHY 42A; EPILEPTIC ENCEPHALOPATHY, EARLY INFANTILE, 42A; Epileptic encephalopathy, early infantile, 42. Identifiers: MedGen C4310716, MONDO:0014917, OMIM 617106.
Episodic ataxia type 2 (EA2). Also called: ATAXIA, EPISODIC, WITH NYSTAGMUS; ATAXIA, FAMILIAL PAROXYSMAL; CEREBELLAR ATAXIA, PAROXYSMAL, ACETAZOLAMIDE-RESPONSIVE; CEREBELLOPATHY, HEREDITARY PAROXYSMAL; EPISODIC ATAXIA, NYSTAGMUS-ASSOCIATED; ACETAZOLAMIDE-RESPONSIVE HEREDITARY PAROXYSMAL CEREBELLAR ATAXIA. Identifiers: Orphanet 97, MedGen C1720416, MONDO:0007163, OMIM 108500.

Submission:

Labcorp Genetics (formerly Invitae), Labcorp
Classification: Likely pathogenic for Developmental and epileptic encephalopathy, 42; Episodic ataxia type 2. Last evaluated: 2022-06-27. Review status: criteria provided, single submitter. Criteria: Invitae Variant Classification Sherloc (09022015). Collection method: clinical testing. Allele origin: germline.
Comment: This missense change has been observed in individual(s) with clinical features of CACNA1A-related conditions (Invitae). Advanced modeling of protein sequence and biophysical properties (such as structural, functional, and spatial information, amino acid conservation, physicochemical variation, residue mobility, and thermodynamic stability) performed at Invitae indicates that this missense variant is expected to disrupt CACNA1A protein function. This variant disrupts the p.Ile1709 amino acid residue in CACNA1A. Other variant(s) that disrupt this residue have been determined to be pathogenic (PMID: 15240985, 15452324). This suggests that this residue is clinically significant, and that variants that disrupt this residue are likely to be disease-causing. In summary, the currently available evidence indicates that the variant is pathogenic, but additional data are needed to prove that conclusively. Therefore, this variant has been classified as Likely Pathogenic. This variant is not present in population databases (gnomAD no frequency). This sequence change replaces isoleucine, which is neutral and non-polar, with leucine, which is neutral and non-polar, at codon 1709 of the CACNA1A protein (p.Ile1709Leu).

Literature cited by the submitters: PubMed 15240985; PubMed 15452324.

NM_001127222.2(CACNA1A):c.5122A>C (p.Ile1708Leu)

Gene: CACNA1A (calcium voltage-gated channel subunit alpha1 A; minus strand). Cytogenetic location: 19p13.13.
Variant type: single nucleotide variant.
Coding change: c.5122A>C on transcript NM_001127222.2 (MANE Select); coding-DNA position 5122, A replaced by C.
Protein change: p.Ile1708Leu; replaces isoleucine 1708 with leucine.
Molecular consequence: missense variant.
Genome position (GRCh38, 1-based): chr19:13,235,220, T>G on the plus strand (A>C on the coding strand, the complement: CACNA1A is on the minus strand). VCF-style: chr19-13235220-T-G. GRCh37 (hg19) VCF-style: chr19-13346034-T-G.
Other names: c.5140A>C, p.Ile1714Leu (NM_000068.4, NM_023035.3); c.5125A>C, p.Ile1709Leu (NM_001127221.2); c.5131A>C, p.Ile1711Leu (NM_001174080.2); short protein forms I1709L, I1711L, I1714L, I1708L.
Identifiers: ClinVar variation 1470576 (VCV001470576.8), dbSNP rs2144647855, ClinGen allele CA404335822.